The following is an entry in ClinVar:

ClinVar aggregate classification (germline): Uncertain significance. Review status: criteria provided, multiple submitters, no conflicts (2 of 4 stars). 2 submissions from 2 submitters: Uncertain significance (2). Last evaluated 2023-10-13.

Conditions:
Inclusion body myopathy with Paget disease of bone and frontotemporal dementia. Also called: Inclusion body myopathy with early-onset Paget disease and frontotemporal dementia. Identifiers: Orphanet 52430, MedGen C1833662, MONDO:0000507.
Frontotemporal dementia and/or amyotrophic lateral sclerosis 6 (FTDALS6). Also called: VCP-Related Amyotrophic Lateral Sclerosis/Frontotemporal Dementia; VCP-Related Amyotrophic Lateral Sclerosis. Identifiers: Orphanet 275872, Orphanet 803, MedGen C5436279, MONDO:0013501, OMIM 613954.

Allele frequency attached by ClinVar (database versions not stated): gnomAD exomes below 0.00001; TOPMed 0.00001.
gnomAD v4.1: 3 of 1,613,132 alleles (0.00019%); highest among the groups gnomAD compares: Middle Eastern, 0.019%; no homozygotes.

Submissions (2):

Labcorp Genetics (formerly Invitae), Labcorp
Classification: Uncertain significance for Inclusion body myopathy with Paget disease of bone and frontotemporal dementia; Frontotemporal dementia and/or amyotrophic lateral sclerosis 6. Last evaluated: 2023-10-13. Review status: criteria provided, single submitter. Criteria: Invitae Variant Classification Sherloc (09022015). Collection method: clinical testing. Allele origin: germline.
Comment: This sequence change affects codon 399 of the VCP mRNA. It is a 'silent' change, meaning that it does not change the encoded amino acid sequence of the VCP protein. This variant is not present in population databases (gnomAD no frequency). This variant has not been reported in the literature in individuals affected with VCP-related conditions. ClinVar contains an entry for this variant (Variation ID: 290877). Algorithms developed to predict the effect of sequence changes on RNA splicing suggest that this variant may disrupt the consensus splice site. In summary, the available evidence is currently insufficient to determine the role of this variant in disease. Therefore, it has been classified as a Variant of Uncertain Significance.

Eurofins Ntd Llc (ga)
Classification: Uncertain significance. Last evaluated: 2016-08-25. Review status: criteria provided, single submitter. Criteria: EGL Classification Definitions 2015. Collection method: clinical testing. Allele origin: germline. Observed: 1 variant allele, 1 heterozygote.

NM_007126.5(VCP):c.1197A>G (p.Val399=)

Gene: VCP (valosin containing protein; minus strand). Cytogenetic location: 9p13.3.
Variant type: single nucleotide variant.
Coding change: c.1197A>G on transcript NM_007126.5 (MANE Select); coding-DNA position 1197, A replaced by G.
Protein change: p.Val399=; no amino-acid change (valine 399 retained).
Molecular consequence: synonymous variant.
Genome position (GRCh38, 1-based): chr9:35,061,177, T>C on the plus strand (A>G on the coding strand, the complement: VCP is on the minus strand). VCF-style: chr9-35061177-T-C. GRCh37 (hg19) VCF-style: chr9-35061174-T-C.
Other names: c.1062A>G, p.Val354= (NM_001354927.2, NM_001354928.2).
Identifiers: ClinVar variation 290877 (VCV000290877.8), dbSNP rs886044575, ClinGen allele CA10606929.
Genomic context (GRCh38, chr9:35,061,177, plus strand): 5'-AGCAGCCTCTGAGCACAGGGCTGCTAAGTCAGCACCCACATGCCCGTGAGTCTCATTGGC[T>C]ACCTGCAGAGAAAGATCTACTTACTATGCTGCCTCAAAGACCCAGCTGCTGCAGGAGGCT-3'
Protein context (NP_009057.1, residues 389-409): KLADDVDLEQ[Val399=]ANETHGHVGA